The following is an entry in ClinVar:

ClinVar aggregate classification (germline): Conflicting classifications of pathogenicity. Review status: criteria provided, conflicting classifications (1 of 4 stars). 3 submissions from 3 submitters: Uncertain significance (1); Likely benign (2). Last evaluated 2025-02-13.

Conditions:
Cardiovascular phenotype. Identifiers: MedGen CN230736.
Familial hypobetalipoproteinemia 1. Also called: Hypobetalipoproteinemia, normotriglyceridemic; Acanthocytosis with hypobetalipoproteinemia; APOB-Related Familial Hypobetalipoproteinemia. Identifiers: MedGen C4551990, MONDO:0014252, OMIM 615558.
Hypercholesterolemia, autosomal dominant, type B (FHCL2). Also called: Familial Hypercholesterolemia Type B; HYPERCHOLESTEROLEMIA, FAMILIAL, DUE TO LIGAND-DEFECTIVE APOLIPOPROTEIN B; Familial hypercholesterolemia 2; APOB-Related Familial Hypercholesterolemia, Autosomal Dominant; APOLIPOPROTEIN B-100, FAMILIAL DEFECTIVE; APOLIPOPROTEIN B-100, FAMILIAL LIGAND-DEFECTIVE. Identifiers: MedGen C1704417, MONDO:0007751, OMIM 144010.

Allele frequency attached by ClinVar (database versions not stated): TOPMed 0.00001.
gnomAD v4.1: 66 of 1,613,948 alleles (0.0041%); highest among the groups gnomAD compares: Non-Finnish European, 0.0054%; no homozygotes.

Submissions (3):

Labcorp Genetics (formerly Invitae), Labcorp
Classification: Likely benign for Familial hypobetalipoproteinemia 1; Hypercholesterolemia, autosomal dominant, type B. Last evaluated: 2025-02-13. Review status: criteria provided, single submitter. Criteria: Invitae Variant Classification Sherloc (09022015). Collection method: clinical testing. Allele origin: germline.

Ambry Genetics
Classification: Likely benign for Cardiovascular phenotype. Last evaluated: 2024-09-05. Review status: criteria provided, single submitter. Criteria: Ambry Variant Classification Scheme 2023. Collection method: clinical testing. Allele origin: germline.

GeneDx
Classification: Uncertain significance. Last evaluated: 2022-11-04. Review status: criteria provided, single submitter. Criteria: GeneDx Variant Classification Process June 2021. Collection method: clinical testing. Allele origin: germline. Affected: yes.
Comment: Has not been previously published as pathogenic or benign to our knowledge; Not observed at significant frequency in large population cohorts (gnomAD); In silico analysis supports that this missense variant has a deleterious effect on protein structure/function

NM_000384.3(APOB):c.8129A>G (p.Asp2710Gly)

Gene: APOB (apolipoprotein B; minus strand). Cytogenetic location: 2p24.1.
Variant type: single nucleotide variant.
Coding change: c.8129A>G on transcript NM_000384.3 (MANE Select); coding-DNA position 8129, A replaced by G.
Protein change: p.Asp2710Gly; replaces aspartic acid 2710 with glycine.
Molecular consequence: missense variant.
Genome position (GRCh38, 1-based): chr2:21,008,739, T>C on the plus strand (A>G on the coding strand, the complement: APOB is on the minus strand). VCF-style: chr2-21008739-T-C. GRCh37 (hg19) VCF-style: chr2-21231611-T-C.
Other names: short protein forms D2710G.
Identifiers: ClinVar variation 928147 (VCV000928147.11), dbSNP rs771882254, ClinGen allele CA43501234.